The following is an entry in ClinVar:

NM_014714.4(IFT140):c.69G>A (p.Trp23Ter)

Genes: IFT140 (intraflagellar transport 140; minus strand), LOC105371046 (uncharacterized LOC105371046; plus strand). Cytogenetic location: 16p13.3.
Variant type: single nucleotide variant.
Coding change: c.69G>A on transcript NM_014714.4 (MANE Select); coding-DNA position 69, G replaced by A.
Protein change: p.Trp23Ter; replaces tryptophan 23 with a stop codon.
Molecular consequence: nonsense.
Genome position (GRCh38, 1-based): chr16:1,607,198, C>T on the plus strand (G>A on the coding strand, the complement: IFT140 is on the minus strand). VCF-style: chr16-1607198-C-T. GRCh37 (hg19) VCF-style: chr16-1657199-C-T.
Other names: short protein forms W23*.
Identifiers: ClinVar variation 4762815 (VCV004762815.1).
Genomic context (GRCh38, chr16:1,607,198, plus strand): 5'-CACGCTGCCTGTTGAGGTTGTGCTGATGTAAGCAACTGCCAAGAATGGATGGACAGGGTG[C>T]CAGCTGATAAATGAGGGTGACCCTGCTGCATCCGGGGCTTCTATCTGGTGGTCATAATAG-3'

ClinVar aggregate classification (germline): Pathogenic (1 of 4 stars; one submission).

Conditions:
Saldino-Mainzer syndrome (SRTD9). Also called: CONORENAL SYNDROME; Renal dysplasia, retinal pigmentary dystrophy, cerebellar ataxia and skeletal dysplasia; SHORT-RIB THORACIC DYSPLASIA 9 WITHOUT POLYDACTYLY; short-rib thoracic dysplasia 9 with or without polydactyly. Identifiers: Orphanet 140969, MedGen C1849437, MONDO:0009964, OMIM 266920.

gnomAD v4.1: 2 of 1,614,086 alleles (0.00012%); highest among the groups gnomAD compares: Non-Finnish European, 0.00017%; no homozygotes.

Submission:

Labcorp Genetics (formerly Invitae), Labcorp
Classification: Pathogenic for Saldino-Mainzer syndrome. Last evaluated: 2025-11-25. Review status: criteria provided, single submitter. Criteria: Invitae Variant Classification Sherloc (09022015). Collection method: clinical testing. Allele origin: germline.
Comment: This sequence change creates a premature translational stop signal (p.Trp23*) in the IFT140 gene. It is expected to result in an absent or disrupted protein product. Loss-of-function variants in IFT140 are known to be pathogenic (PMID: 22503633, 23418020, 24009529, 26216056). This variant is present in population databases (rs139141440, gnomAD 0.0009%). This variant has not been reported in the literature in individuals affected with IFT140-related conditions. For these reasons, this variant has been classified as Pathogenic.

Literature cited by the submitters: PubMed 22503633; PubMed 23418020; PubMed 24009529; PubMed 26216056.